The following is an entry in ClinVar:

ClinVar aggregate classification (germline): Likely pathogenic. Review status: reviewed by expert panel (3 of 4 stars). 3 submissions from 3 submitters: Likely pathogenic (1). 2 of the submissions do not count toward it. Last evaluated 2025-08-01.

Conditions:
RYR1-related myopathy. Identifiers: Orphanet 98742, MedGen CN305348, MONDO:0100150.
RYR1-related disorder. Also called: RYR1-related condition; RYR1-related disorders. Identifiers: MedGen CN239331.
Malignant hyperthermia, susceptibility to, 1 (MHS1). Also called: RYR1-Related Malignant Hyperthermia Susceptibility; Anesthesia related hyperthermia; Malignant hyperpyrexia; Fulminating hyperpyrexia; Pharmacogenic myopathy; Malignant hyperthermia suceptibility 1. Identifiers: Orphanet 423, MedGen C2930980, MONDO:0007783, OMIM 145600.

Allele frequency attached by ClinVar (database versions not stated): ExAC 0.00001.

Submissions (3):

ClinGen Malignant Hyperthermia Susceptibility Variant Curation Expert Panel, ClinGen
Classification: Likely pathogenic for Malignant hyperthermia, susceptibility to, 1. Last evaluated: 2025-08-01. Review status: reviewed by expert panel. Criteria: ClinGen MHS ACMG Specifications V2. Collection method: curation. Allele origin: germline. Inheritance: Autosomal dominant inheritance. Study: ClinGen.
Comment: This pathogenicity assessment is relevant only for malignant hyperthermia susceptibility (MHS) inherited in an autosomal dominant pattern. Variants in RYR1 can also cause other myopathies inherited in an autosomal dominant pattern or in an autosomal recessive pattern. Some of these disorders may predispose individuals to malignant hyperthermia. RYR1 variants may also contribute to a malignant hyperthermia reaction in combination with other genetic and non-genetic factors and the clinician needs to consider such factors in making management decisions. This sequence variant predicts a substitution of glutamic acid with lysine at codon 2362 of the RYR1 protein, p.(Glu2362Lys). This variant was not present in a large population database (gnomAD) at the time this variant was interpreted. This variant has been reported in two unrelated individuals who have a personal or family history of a malignant hyperthermia reaction, two of these individuals had a positive in vitro contracture test (IVCT) or caffeine halothane contracture test (CHCT) result (if the proband was unavailable for testing, a positive diagnostic test result in a mutation-positive relative was counted), PS4_Moderate (PMID:30236257). No functional studies were identified for this variant. This variant resides in a region of RYR1 considered to be a hotspot for pathogenic variants that contribute to MHS, PM1 (PMID: 21118704). A REVEL score >0.85 (0.885)supports a pathogenic status for this variant, PP3_Moderate. This variant has been classified as Likely Pathogenic. Criteria implemented: PS4_Moderate, PM1, PP3_Moderate.

Muscle and Diseases Team, Institut de Génétique et Biologie Moléculaire et Cellulaire
Classification: Likely pathogenic for RYR1-related myopathy. Last evaluated: 2024-03-01. Review status: criteria provided, single submitter. Criteria: ACMG Guidelines, 2015. Collection method: research. Allele origin: unknown. Affected: yes. Observed: 1 variant allele. Not counted in ClinVar's aggregate classification.
Comment: PM1+PM2+PP1_Moderate+PP2+PP3

Labcorp Genetics (formerly Invitae), Labcorp
Classification: Pathogenic for RYR1-related disorder. Last evaluated: 2022-12-31. Review status: criteria provided, single submitter. Criteria: Invitae Variant Classification Sherloc (09022015). Collection method: clinical testing. Allele origin: germline. Not counted in ClinVar's aggregate classification.
Comment: This sequence change replaces glutamic acid, which is acidic and polar, with lysine, which is basic and polar, at codon 2362 of the RYR1 protein (p.Glu2362Lys). This variant is not present in population databases (gnomAD no frequency). This missense change has been observed in individual(s) with malignant hyperthermia susceptibility (PMID: 30236257). ClinVar contains an entry for this variant (Variation ID: 1214002). Advanced modeling of protein sequence and biophysical properties (such as structural, functional, and spatial information, amino acid conservation, physicochemical variation, residue mobility, and thermodynamic stability) performed at Invitae indicates that this missense variant is expected to disrupt RYR1 protein function. For these reasons, this variant has been classified as Pathogenic.

Literature cited by the submitters: DOI 10.1186/s13073-024-01353-0 (cited by Muscle and Diseases Team, Institut de Génétique et Biologie Moléculaire et Cellulaire); PubMed 30236257 (cited by Labcorp Genetics (formerly Invitae), Labcorp).

NM_000540.3(RYR1):c.7084G>A (p.Glu2362Lys)

Gene: RYR1 (ryanodine receptor 1; plus strand). Cytogenetic location: 19q13.2.
Variant type: single nucleotide variant.
Coding change: c.7084G>A on transcript NM_000540.3 (MANE Select); coding-DNA position 7084, G replaced by A.
Protein change: p.Glu2362Lys; replaces glutamic acid 2362 with lysine.
Molecular consequence: missense variant.
Genome position (GRCh38, 1-based): chr19:38,499,691, G>A. VCF-style: chr19-38499691-G-A. GRCh37 (hg19) VCF-style: chr19-38990331-G-A.
Other names: NM_000540.2(RYR1):c.7084G>A; p.Glu2362Lys; NM_001042723.2:c.7084G>A; c.7084G>A, p.Glu2362Lys (NM_001042723.2); short protein forms E2362K.
Identifiers: ClinVar variation 1214002 (VCV001214002.10), dbSNP rs762401851, ClinGen allele CA069115.